The following is an entry in ClinVar:

NM_194248.3(OTOF):c.1413G>A (p.Lys471=)

Gene: OTOF (otoferlin; minus strand). Cytogenetic location: 2p23.3.
Variant type: single nucleotide variant.
Coding change: c.1413G>A on transcript NM_194248.3 (MANE Select); coding-DNA position 1413, G replaced by A.
Protein change: p.Lys471=; no amino-acid change (lysine 471 retained).
Molecular consequence: synonymous variant.
Genome position (GRCh38, 1-based): chr2:26,482,572, C>T on the plus strand (G>A on the coding strand, the complement: OTOF is on the minus strand). VCF-style: chr2-26482572-C-T. GRCh37 (hg19) VCF-style: chr2-26705440-C-T.
Other names: c.1413G>A, p.Lys471= (NM_001287489.2).
Identifiers: ClinVar variation 666731 (VCV000666731.7), dbSNP rs769723512, ClinGen allele CA1564272.

ClinVar aggregate classification (germline): Likely benign. Review status: criteria provided, multiple submitters, no conflicts (2 of 4 stars). 2 submissions from 2 submitters: Likely benign (2). Last evaluated 2024-02-06.

Allele frequency attached by ClinVar (database versions not stated): TOPMed 0.00001.
gnomAD v4.1: 30 of 1,613,116 alleles (0.0019%); highest among the groups gnomAD compares: Non-Finnish European, 0.0024%; no homozygotes.

Submissions (2):

Labcorp Genetics (formerly Invitae), Labcorp
Classification: Likely benign. Last evaluated: 2024-02-06. Review status: criteria provided, single submitter. Criteria: Invitae Variant Classification Sherloc (09022015). Collection method: clinical testing. Allele origin: germline.

Laboratory for Molecular Medicine, Mass General Brigham Personalized Medicine
Classification: Likely benign. Last evaluated: 2017-08-23. Review status: criteria provided, single submitter. Criteria: LMM Criteria. Collection method: clinical testing. Allele origin: germline. Observed: 1 variant allele.
Comment: p.Lys471Lys in exon 14 of OTOF: This variant is not expected to have clinical si gnificance because it does not alter an amino acid residue and is not located wi thin the splice consensus sequence. It has been identified in 1/16392 South Asia n chromosomes by the Exome Aggregation Consortium (ExAC; dbSNP rs769723512).